The following is an entry in ClinVar:

NM_003737.4(DCHS1):c.2785G>A (p.Val929Ile)

Gene: DCHS1 (dachsous cadherin-related 1; minus strand). Cytogenetic location: 11p15.4.
Variant type: single nucleotide variant.
Coding change: c.2785G>A on transcript NM_003737.4 (MANE Select); coding-DNA position 2785, G replaced by A.
Protein change: p.Val929Ile; replaces valine 929 with isoleucine.
Molecular consequence: missense variant.
Genome position (GRCh38, 1-based): chr11:6,632,727, C>T on the plus strand (G>A on the coding strand, the complement: DCHS1 is on the minus strand). VCF-style: chr11-6632727-C-T. GRCh37 (hg19) VCF-style: chr11-6653958-C-T.
Other names: short protein forms V929I.
Identifiers: ClinVar variation 2971134 (VCV002971134.3), dbSNP rs755739372, ClinGen allele CA5860651.

ClinVar aggregate classification (germline): Uncertain significance (1 of 4 stars; one submission).

Allele frequency attached by ClinVar (database versions not stated): gnomAD 0.00003; gnomAD exomes 0.00001; TOPMed 0.00001.
gnomAD v4.1: 9 of 1,605,920 alleles (0.00056%); highest among the groups gnomAD compares: Admixed American, 0.015%; no homozygotes.

Submission:

Labcorp Genetics (formerly Invitae), Labcorp
Classification: Uncertain significance. Last evaluated: 2025-12-29. Review status: criteria provided, single submitter. Criteria: Invitae Variant Classification Sherloc (09022015). Collection method: clinical testing. Allele origin: germline.
Comment: This sequence change replaces valine, which is neutral and non-polar, with isoleucine, which is neutral and non-polar, at codon 929 of the DCHS1 protein (p.Val929Ile). This variant is present in population databases (rs755739372, gnomAD 0.01%). This variant has not been reported in the literature in individuals affected with DCHS1-related conditions. ClinVar contains an entry for this variant (Variation ID: 2971134). Invitae Evidence Modeling of protein sequence and biophysical properties (such as structural, functional, and spatial information, amino acid conservation, physicochemical variation, residue mobility, and thermodynamic stability) indicates that this missense variant is not expected to disrupt DCHS1 protein function with a negative predictive value of 80%. In summary, the available evidence is currently insufficient to determine the role of this variant in disease. Therefore, it has been classified as a Variant of Uncertain Significance.